The following is an entry in ClinVar:

NM_001211.6(BUB1B):c.1996A>T (p.Ile666Phe)

Gene: BUB1B (BUB1 mitotic checkpoint serine/threonine kinase B; plus strand). Cytogenetic location: 15q15.1.
Variant type: single nucleotide variant.
Coding change: c.1996A>T on transcript NM_001211.6 (MANE Select); coding-DNA position 1996, A replaced by T.
Protein change: p.Ile666Phe; replaces isoleucine 666 with phenylalanine.
Molecular consequence: missense variant.
Genome position (GRCh38, 1-based): chr15:40,206,445, A>T. VCF-style: chr15-40206445-A-T. GRCh37 (hg19) VCF-style: chr15-40498646-A-T.
Other names: short protein forms I666F.
Identifiers: ClinVar variation 1784053 (VCV001784053.2), dbSNP rs1218957418, ClinGen allele CA391692922.
Genomic context (GRCh38, chr15:40,206,445, plus strand): 5'-GTAAAGACCTCTGAGGACCAGCAGACAGCTTGTGGCACTATCTACAGTCAGACTCTCAGC[A>T]TCAAGAAGCTGAGGTGATTGGGGATTTACAGGTTTTACAAACCAGATTGTTTACTCTCTT-3'
Protein context (NP_001202.5, residues 656-676): CGTIYSQTLS[Ile666Phe]KKLSPIIEDS

ClinVar aggregate classification (germline): Uncertain significance (1 of 4 stars; one submission).

Conditions:
Inborn genetic diseases. Identifiers: MedGen C0950123, MeSH D030342.

Submission:

Ambry Genetics
Classification: Uncertain significance for Inborn genetic diseases. Last evaluated: 2022-03-01. Review status: criteria provided, single submitter. Criteria: Ambry Variant Classification Scheme 2023. Collection method: clinical testing. Allele origin: germline.
Comment: The p.I666F variant (also known as c.1996A>T), located in coding exon 15 of the BUB1B gene, results from an A to T substitution at nucleotide position 1996. The isoleucine at codon 666 is replaced by phenylalanine, an amino acid with highly similar properties. This amino acid position is conserved. In addition, this alteration is predicted to be tolerated by in silico analysis. Since supporting evidence is limited at this time, the clinical significance of this alteration remains unclear.